The following is an entry in ClinVar:

ClinVar aggregate classification (germline): Conflicting classifications of pathogenicity. Review status: criteria provided, conflicting classifications (1 of 4 stars). 3 submissions from 3 submitters: Likely pathogenic (1); Uncertain significance (2). Last evaluated 2025-01-21.

Conditions:
Hereditary cancer-predisposing syndrome. Also called: Neoplastic Syndromes, Hereditary; Tumor predisposition; Hereditary Cancer Syndrome; Hereditary neoplastic syndrome. Identifiers: Orphanet 140162, MedGen C0027672, MeSH D009386, MONDO:0015356.
Ataxia-telangiectasia syndrome (AT). Also called: Ataxia telangiectasia (A-T); ATAXIA-TELANGIECTASIA, COMPLEMENTATION GROUP A; ATAXIA-TELANGIECTASIA, FRESNO VARIANT; Ataxia-telangiectasia; Ataxia-telangiectasia, complementation group E; LOUIS-BAR SYNDROME. Identifiers: Orphanet 100, MedGen C0004135, MONDO:0008840, OMIM 208900.

Submissions (3):

Ambry Genetics
Classification: Likely pathogenic for Hereditary cancer-predisposing syndrome. Last evaluated: 2025-01-21. Review status: criteria provided, single submitter. Criteria: Ambry Variant Classification Scheme 2023. Collection method: clinical testing. Allele origin: germline.
Comment: The p.D2708V variant (also known as c.8123A>T), located in coding exon 54 of the ATM gene, results from an A to T substitution at nucleotide position 8123. The aspartic acid at codon 2708 is replaced by valine, an amino acid with highly dissimilar properties. Other variant(s) at the same codon, p.D2708N (c.8122G>A) and p.D2708E (c.8124T>A), have been identified in individual(s) with features consistent with ataxia telangiectasia (Magliozzi M et al. Dis. Markers 2006; 22(4):257-64; Cavalieri S et al. Ann. Hum. Genet. 2008;72(Pt 1):10-8; Micol R et al. J. Allergy Clin. Immunol. 2011 Aug;128(2):382-9.e1; Jacquemin V et al. Eur. J. Hum. Genet. 2012; 20:305-12; Claes K et al. Neuromolecular Med. 2013;15(3):447-57). This amino acid position is highly conserved in available vertebrate species. In addition, this alteration is predicted to be deleterious by in silico analysis. This variant is considered to be rare based on population cohorts in the Genome Aggregation Database (gnomAD). Based on the majority of available evidence to date, this variant is likely to be pathogenic.

Labcorp Genetics (formerly Invitae), Labcorp
Classification: Uncertain significance for Ataxia-telangiectasia syndrome. Last evaluated: 2024-05-26. Review status: criteria provided, single submitter. Criteria: Invitae Variant Classification Sherloc (09022015). Collection method: clinical testing. Allele origin: germline.
Comment: This sequence change replaces aspartic acid, which is acidic and polar, with valine, which is neutral and non-polar, at codon 2708 of the ATM protein (p.Asp2708Val). This variant is not present in population databases (gnomAD no frequency). This variant has not been reported in the literature in individuals affected with ATM-related conditions. ClinVar contains an entry for this variant (Variation ID: 1021521). An algorithm developed to predict the effect of missense changes on protein structure and function (PolyPhen-2) suggests that this variant is likely to be disruptive. This variant disrupts the p.Asp2708 amino acid residue in ATM. Other variant(s) that disrupt this residue have been determined to be pathogenic (PMID: 16941484, 22071889, 23454770, 23632773, 27913932). This suggests that this residue is clinically significant, and that variants that disrupt this residue are likely to be disease-causing. In summary, the available evidence is currently insufficient to determine the role of this variant in disease. Therefore, it has been classified as a Variant of Uncertain Significance.

Women's Health and Genetics/Laboratory Corporation of America, LabCorp
Classification: Uncertain significance. Last evaluated: 2023-01-19. Review status: criteria provided, single submitter. Criteria: LabCorp Variant Classification Summary - May 2015. Collection method: clinical testing. Allele origin: germline.
Comment: Variant summary: ATM c.8123A>T (p.Asp2708Val) results in a non-conservative amino acid change located in the Phosphatidylinositol 3-/4-kinase, catalytic domain (IPR000403) of the encoded protein sequence. This alters a highly conserved amino acid, and two other missense changes affecting this residue are classified as pathogenic/likely pathogenic in ClinVar (p.Asp2708Glu, p.Asp2708Asn). Five of five in-silico tools predict a damaging effect of the variant on protein function. The variant was absent in 251386 control chromosomes. The available data on variant occurrences in the general population are insufficient to allow any conclusion about variant significance. To our knowledge, no occurrence of c.8123A>T in individuals affected with Breast Cancer and no experimental evidence demonstrating its impact on protein function have been reported. One submitter has provided a clinical-significance assessment for this variant to ClinVar after 2014, and classified the variant as uncertain significance. Based on the evidence outlined above, the variant was classified as uncertain significance.

Literature cited by the submitters: PubMed 16941484 (cited by Labcorp Genetics (formerly Invitae), Labcorp); PubMed 22071889 (cited by Labcorp Genetics (formerly Invitae), Labcorp); PubMed 23454770 (cited by Labcorp Genetics (formerly Invitae), Labcorp); PubMed 23632773 (cited by Labcorp Genetics (formerly Invitae), Labcorp); PubMed 27913932 (cited by Labcorp Genetics (formerly Invitae), Labcorp).

NM_000051.4(ATM):c.8123A>T (p.Asp2708Val)

Genes: ATM (ATM serine/threonine kinase; plus strand), C11orf65 (chromosome 11 open reading frame 65; minus strand). Cytogenetic location: 11q22.3.
Variant type: single nucleotide variant.
Coding change: c.8123A>T on transcript NM_000051.4 (MANE Select); coding-DNA position 8123, A replaced by T.
Protein change: p.Asp2708Val; replaces aspartic acid 2708 with valine.
Molecular consequence: missense variant. On other transcripts: intron variant (2).
Genome position (GRCh38, 1-based): chr11:108,335,081, A>T. VCF-style: chr11-108335081-A-T. GRCh37 (hg19) VCF-style: chr11-108205808-A-T.
Other names: c.8123A>T, p.Asp2708Val (NM_001351834.2); c.641-26010T>A (NM_001330368.2); c.*38+139T>A (NM_001351110.2); short protein forms D2708V.
Identifiers: ClinVar variation 1021521 (VCV001021521.49), dbSNP rs2086688080, ClinGen allele CA382562168.